The following is an entry in ClinVar:

ClinVar aggregate classification (germline): Conflicting classifications of pathogenicity. Review status: criteria provided, conflicting classifications (1 of 4 stars). 10 submissions from 10 submitters: Uncertain significance (6); Likely benign (2). 2 of the submissions do not count toward it. Last evaluated 2026-05-07.

Conditions:
NPC1-related disorder. Also called: NPC1-related condition.
Inborn genetic diseases. Identifiers: MedGen C0950123, MeSH D030342.
Niemann-Pick disease, type C1. Also called: NEUROVISCERAL STORAGE DISEASE WITH VERTICAL SUPRANUCLEAR OPHTHALMOPLEGIA; NIEMANN-PICK DISEASE WITH CHOLESTEROL ESTERIFICATION BLOCK; NIEMANN-PICK DISEASE WITHOUT SPHINGOMYELINASE DEFICIENCY; NIEMANN-PICK DISEASE, CHRONIC NEURONOPATHIC FORM; NIEMANN-PICK DISEASE, VARIANT TYPE C1. Identifiers: Orphanet 646, MedGen C3179455, MONDO:0009757, OMIM 257220.

Allele frequency attached by ClinVar (database versions not stated): 1000 Genomes Project 30x 0.00016; 1000 Genomes Project 0.00020; gnomAD 0.00062; TOPMed 0.00067; ESP Exome Variant Server 0.00069.

Submissions (10):

PreventionGenetics, part of Exact Sciences
Classification: Uncertain significance for NPC1-related condition. Last evaluated: 2026-05-07. Review status: criteria provided, single submitter. Criteria: ACMG Guidelines, 2015. Collection method: clinical testing. Allele origin: germline.
Comment: The NPC1 c.1561G>T variant is predicted to result in the amino acid substitution p.Ala521Ser. This variant has been reported in one patient with Niemann-Pick disease (Park et al 2003. PubMed ID: 12955717). However no functional studied confirmed pathogenicity of the c.1561G>T change. This variant is reported in 0.26% of alleles in individuals of African descent in gnomAD. At this time, the clinical significance of this variant is uncertain due to the absence of conclusive functional and genetic evidence.

Women's Health and Genetics/Laboratory Corporation of America, LabCorp
Classification: Uncertain significance. Last evaluated: 2026-04-01. Review status: criteria provided, single submitter. Criteria: LabCorp Variant Classification Summary - May 2015. Collection method: clinical testing. Allele origin: germline.
Comment: Variant summary: NPC1 c.1561G>T (p.Ala521Ser) results in a conservative amino acid change in the encoded protein sequence. Algorithms developed to predict the effect of missense changes on protein structure and function are either unavailable or do not agree on the potential impact of this missense change. The variant allele was found at a frequency of 0.00017 in 250964 control chromosomes, predominantly at a frequency of 0.0025 within the African or African-American subpopulation in the gnomAD database. This frequency is not significantly higher than estimated for disease-causing variants in NPC1, allowing no conclusion about variant significance. c.1561G>T has been observed in individual(s) affected with Niemann-Pick disease, type C1 without strong evidence for causality (Park_2003). These report(s) do not provide unequivocal conclusions about association of the variant with Niemann-Pick disease, type C1. To our knowledge, no experimental evidence demonstrating an impact on protein function has been reported. The following publication has been ascertained in the context of this evaluation (PMID: 12955717). ClinVar contains an entry for this variant (Variation ID: 500953). Based on the evidence outlined above, the variant was classified as uncertain significance.

Labcorp Genetics (formerly Invitae), Labcorp
Classification: Likely benign for Niemann-Pick disease, type C1. Last evaluated: 2026-01-28. Review status: criteria provided, single submitter. Criteria: Invitae Variant Classification Sherloc (09022015). Collection method: clinical testing. Allele origin: germline.

GeneDx
Classification: Uncertain significance. Last evaluated: 2024-06-02. Review status: criteria provided, single submitter. Criteria: GeneDx Variant Classification Process June 2021. Collection method: clinical testing. Allele origin: germline. Affected: yes.
Comment: Identified in a cohort of NPC patients, however the number of alleles with the variant and the zygosity of the affected individual(s) was not provided (PMID: 12955717); In silico analysis indicates that this missense variant does not alter protein structure/function; This variant is associated with the following publications: (PMID: 27238017, 12955717)

Mayo Clinic Laboratories, Mayo Clinic
Classification: Uncertain significance. Last evaluated: 2024-04-08. Review status: criteria provided, single submitter. Criteria: ACMG Guidelines, 2015. Collection method: clinical testing. Allele origin: germline. Observed: 1 variant allele.
Comment: BS1

Ambry Genetics
Classification: Likely benign for Inborn genetic diseases. Last evaluated: 2022-01-28. Review status: criteria provided, single submitter. Criteria: Ambry Variant Classification Scheme 2023. Collection method: clinical testing. Allele origin: germline.

Fulgent Genetics
Classification: Uncertain significance for Niemann-Pick disease, type C1. Last evaluated: 2018-10-31. Review status: criteria provided, single submitter. Criteria: ACMG Guidelines, 2015. Collection method: clinical testing. Allele origin: unknown.

Eurofins Ntd Llc (ga)
Classification: Uncertain significance. Last evaluated: 2018-08-14. Review status: criteria provided, single submitter. Criteria: EGL ClinVar v180209 classification definitions. Collection method: clinical testing. Allele origin: germline. Observed: 4 variant alleles, 4 heterozygotes.

Natera, Inc.
Classification: Likely benign for Niemann-Pick disease type C1. Last evaluated: 2020-09-16. Review status: no assertion criteria provided. Collection method: clinical testing. Allele origin: germline. Not counted in ClinVar's aggregate classification.

Counsyl
Classification: Uncertain significance for Niemann-Pick disease, type C1. Last evaluated: 2018-01-08. Review status: no assertion criteria provided. Collection method: clinical testing. Allele origin: unknown. Not counted in ClinVar's aggregate classification.

Literature cited by the submitters: PubMed 12955717 (cited by Women's Health and Genetics/Laboratory Corporation of America, LabCorp and Counsyl); PubMed 27238017 (cited by Counsyl).

NM_000271.5(NPC1):c.1561G>T (p.Ala521Ser)

Gene: NPC1 (NPC intracellular cholesterol transporter 1; minus strand). Cytogenetic location: 18q11.2.
Variant type: single nucleotide variant.
Coding change: c.1561G>T on transcript NM_000271.5 (MANE Select); coding-DNA position 1561, G replaced by T.
Protein change: p.Ala521Ser; replaces alanine 521 with serine.
Molecular consequence: missense variant.
Genome position (GRCh38, 1-based): chr18:23,551,720, C>A on the plus strand (G>T on the coding strand, the complement: NPC1 is on the minus strand). VCF-style: chr18-23551720-C-A. GRCh37 (hg19) VCF-style: chr18-21131684-C-A.
Other names: p.Ala521Ser; short protein forms A521S.
Identifiers: ClinVar variation 500953 (VCV000500953.26), dbSNP rs138184115, ClinGen allele CA8913425.